The following is an entry in ClinVar:

ClinVar aggregate classification (germline): Likely benign (1 of 4 stars; one submission).

Submission:

Women's Health and Genetics/Laboratory Corporation of America, LabCorp
Classification: Likely benign. Last evaluated: 2026-06-13. Review status: criteria provided, single submitter. Criteria: LabCorp Variant Classification Summary - May 2015. Collection method: clinical testing. Allele origin: germline.
Comment: Variant summary: TTN c.50370T>G alters a conserved nucleotide resulting in a synonymous change. Consensus agreement among computation tools predict no significant impact on normal splicing. However, these predictions have yet to be confirmed by functional studies. The variant was absent in 247340 control chromosomes. The available data on variant occurrences in the general population are insufficient to allow any conclusion about variant significance. To our knowledge, no occurrence of c.50370T>G in individuals affected with TTN-related conditions and no experimental evidence demonstrating its impact on protein function have been reported. No submitters have cited clinical-significance assessments for this variant to ClinVar. Based on the evidence outlined above, the variant was classified as likely benign.

NM_001267550.2(TTN):c.58074T>G (p.Arg19358=)

Genes: TTN (titin; minus strand), TTN-AS1 (TTN antisense RNA 1; plus strand). Cytogenetic location: 2q31.2.
Variant type: single nucleotide variant.
Coding change: c.58074T>G on transcript NM_001267550.2 (MANE Select); coding-DNA position 58074, T replaced by G.
Protein change: p.Arg19358=; no amino-acid change (arginine 19358 retained).
Molecular consequence: synonymous variant.
Genome position (GRCh38, 1-based): chr2:178,594,420, A>C on the plus strand (T>G on the coding strand, the complement: TTN is on the minus strand). VCF-style: chr2-178594420-A-C. GRCh37 (hg19) VCF-style: chr2-179459147-A-C.
Other names: c.53151T>G, p.Arg17717= (NM_001256850.1); c.30879T>G, p.Arg10293= (NM_003319.4); c.50370T>G, p.Arg16790= (NM_133378.4); c.31254T>G, p.Arg10418= (NM_133432.3); c.31455T>G, p.Arg10485= (NM_133437.4).
Identifiers: ClinVar variation 4887266 (VCV004887266.1).